The following is an entry in ClinVar:

ClinVar aggregate classification (germline): Uncertain significance. Review status: criteria provided, multiple submitters, no conflicts (2 of 4 stars). 3 submissions from 3 submitters: Uncertain significance (3). Last evaluated 2024-11-23.

Conditions:
Inborn genetic diseases. Identifiers: MedGen C0950123, MeSH D030342.

Allele frequency attached by ClinVar (database versions not stated): TOPMed below 0.00001; gnomAD exomes 0.00001.
gnomAD v4.1: 7 of 1,613,894 alleles (0.00043%); highest among the groups gnomAD compares: Middle Eastern, 0.017%; no homozygotes.

Submissions (3):

Ambry Genetics
Classification: Uncertain significance for Inborn genetic diseases. Last evaluated: 2024-11-23. Review status: criteria provided, single submitter. Criteria: Ambry Variant Classification Scheme 2023. Collection method: clinical testing. Allele origin: germline.
Comment: The p.N387S variant (also known as c.1160A>G), located in coding exon 10 of the ANKRD26 gene, results from an A to G substitution at nucleotide position 1160. The asparagine at codon 387 is replaced by serine, an amino acid with highly similar properties. This amino acid position is conserved. In addition, this alteration is predicted to be tolerated by in silico analysis. Based on the available evidence, the clinical significance of this variant remains unclear.

GeneDx
Classification: Uncertain significance. Last evaluated: 2023-06-06. Review status: criteria provided, single submitter. Criteria: GeneDx Variant Classification Process June 2021. Collection method: clinical testing. Allele origin: germline. Affected: yes.
Comment: Not observed at significant frequency in large population cohorts (gnomAD); In silico analysis supports that this missense variant does not alter protein structure/function; Has not been previously published as pathogenic or benign to our knowledge

Blueprint Genetics
Classification: Uncertain significance. Last evaluated: 2020-05-06. Review status: criteria provided, single submitter. Criteria: ACMG Guidelines, 2015. Collection method: clinical testing. Allele origin: germline.

NM_014915.3(ANKRD26):c.1160A>G (p.Asn387Ser)

Gene: ANKRD26 (ankyrin repeat domain 26; minus strand). Cytogenetic location: 10p12.1.
Variant type: single nucleotide variant.
Coding change: c.1160A>G on transcript NM_014915.3 (MANE Select); coding-DNA position 1160, A replaced by G.
Protein change: p.Asn387Ser; replaces asparagine 387 with serine.
Molecular consequence: missense variant.
Genome position (GRCh38, 1-based): chr10:27,067,204, T>C on the plus strand (A>G on the coding strand, the complement: ANKRD26 is on the minus strand). VCF-style: chr10-27067204-T-C. GRCh37 (hg19) VCF-style: chr10-27356133-T-C.
Other names: c.1160A>G, p.Asn387Ser (NM_001256053.2); short protein forms N387S.
Identifiers: ClinVar variation 3252559 (VCV003252559.3), dbSNP rs998237587.